The following is an entry in ClinVar:

NM_001083962.2(TCF4):c.1649+11A>G

Gene: TCF4 (transcription factor 4; minus strand). Cytogenetic location: 18q21.2.
Variant type: single nucleotide variant.
Coding change: c.1649+11A>G on transcript NM_001083962.2 (MANE Select); 11 bases into the intron after coding-DNA position 1649, A replaced by G.
Molecular consequence: intron variant.
Genome position (GRCh38, 1-based): chr18:55,232,498, T>C on the plus strand (A>G on the coding strand, the complement: TCF4 is on the minus strand). VCF-style: chr18-55232498-T-C. GRCh37 (hg19) VCF-style: chr18-52899729-T-C.
Other names: c.1955+11A>G (NM_001243226.3); c.1562+23A>G (NM_001369584.1, NM_001369585.1, NM_001348220.1); c.1574+11A>G (NM_001369576.1, NM_001369577.1, NM_001369578.1 and 3 more transcripts); c.1565+23A>G (NM_001369582.1, NM_001369583.1, NM_001348219.2 and 1 more transcripts); c.1577+11A>G (NM_001243227.2, NM_001369575.1, NM_001348218.2 and 1 more transcripts); c.1580+11A>G (NM_001369586.1); c.1637+23A>G (NM_001369571.1, NM_001369572.1, NM_003199.3); c.1649+11A>G (NM_001369567.1, NM_001369568.1); and 14 more.
Identifiers: ClinVar variation 3375085 (VCV003375085.1).

ClinVar aggregate classification (germline): Uncertain significance (1 of 4 stars; one submission).

Submission:

Women's Health and Genetics/Laboratory Corporation of America, LabCorp
Classification: Uncertain significance. Last evaluated: 2024-09-04. Review status: criteria provided, single submitter. Criteria: LabCorp Variant Classification Summary - May 2015. Collection method: clinical testing. Allele origin: germline.
Comment: Variant summary: TCF4 c.1649+11A>G alters a non-conserved nucleotide located at a position not widely known to affect splicing. Several computational tools predict a significant impact on normal splicing: three predict the variant doesn't have an impact on the canonical 5' donor site, while two predict the variant creates a novel 5' donor site. However, these predictions have yet to be confirmed by functional studies. The variant was absent in 251120 control chromosomes (gnomAD). The available data on variant occurrences in the general population are insufficient to allow any conclusion about variant significance. To our knowledge, no occurrence of c.1649+11A>G in individuals affected with Pitt-Hopkins Syndrome and no experimental evidence demonstrating its impact on protein function have been reported. No submitters have cited clinical-significance assessments for this variant to ClinVar. Based on the evidence outlined above, the variant was classified as uncertain significance.